The following is an entry in ClinVar:

NM_006005.3(WFS1):c.*654G>A

Gene: WFS1 (wolframin ER transmembrane glycoprotein; plus strand). Cytogenetic location: 4p16.1.
Variant type: single nucleotide variant.
Coding change: c.*654G>A on transcript NM_006005.3 (MANE Select); 654 bases downstream of the stop codon, G replaced by A.
Molecular consequence: 3 prime UTR variant.
Genome position (GRCh38, 1-based): chr4:6,303,122, G>A. VCF-style: chr4-6303122-G-A. GRCh37 (hg19) VCF-style: chr4-6304849-G-A.
Other names: c.*654G>A (NM_001145853.1).
Identifiers: ClinVar variation 349357 (VCV000349357.6), dbSNP rs886059539, ClinGen allele CA10621500.

ClinVar aggregate classification (germline): Conflicting classifications of pathogenicity. Review status: criteria provided, conflicting classifications (1 of 4 stars). 3 submissions from 2 submitters: Uncertain significance (2); Benign (1). Last evaluated 2018-01-12.

Conditions:
Wolfram syndrome 1 (WFS1). Identifiers: Orphanet 3463, MedGen C4551693, MONDO:0009101, OMIM 222300.
WFS1-Related Spectrum Disorders.
Autosomal dominant nonsyndromic hearing loss 6 (LFSNHL). Also called: DEAFNESS, AUTOSOMAL DOMINANT 6; DEAFNESS, AUTOSOMAL DOMINANT 14; DEAFNESS, AUTOSOMAL DOMINANT 38; Autosomal dominant nonsyndromic deafness 6; DIDMOAD (Diabetes Insipidus, Diabetes Mellitus, Optic Atrophy, and Deafness). Identifiers: Orphanet 90635, MedGen C1833021, MONDO:0010963, OMIM 600965.

Allele frequency attached by ClinVar (database versions not stated): TOPMed 0.00005; gnomAD 0.00006 and 0.00007.

Submissions (3):

Illumina Laboratory Services, Illumina
Classification: Uncertain significance for WFS1-Related Spectrum Disorders. Last evaluated: 2018-01-12. Review status: criteria provided, single submitter. Criteria: ICSL Variant Classification Criteria 13 December 2019. Collection method: clinical testing. Allele origin: germline.

Illumina Laboratory Services, Illumina
Classification: Uncertain significance for Autosomal dominant nonsyndromic hearing loss 6. Last evaluated: 2018-01-12. Review status: criteria provided, single submitter. Criteria: ICSL Variant Classification Criteria 13 December 2019. Collection method: clinical testing. Allele origin: germline.

Clinical Genomics, Uppaluri K&H Personalized Medicine Clinic
Classification: Benign for Wolfram syndrome 1. Review status: criteria provided, single submitter. Criteria: K & H Uppaluri Personalized Medicine Clinic Variant Classification & Assertion Criteria_Updated V.1. Collection method: research. Allele origin: unknown. Inheritance: Autosomal recessive inheritance.
Comment: Potent mutations in WFS1 gene are associated with Wolfram's syndrome, an autosomal recessive condition, which cause diabetes mellitus, diabetes insipidus, deafness and optic atrophy.However no sufficient evidence is found to ascertain the role of this particular variant rs886059539 in Wolfram's syndrome yet.

Literature cited by the submitters: PubMed 20738327 (cited by Clinical Genomics, Uppaluri K&H Personalized Medicine Clinic); PubMed 33879153 (cited by Clinical Genomics, Uppaluri K&H Personalized Medicine Clinic); PubMed 12955714 (cited by Clinical Genomics, Uppaluri K&H Personalized Medicine Clinic); PubMed 18060660 (cited by Clinical Genomics, Uppaluri K&H Personalized Medicine Clinic); PubMed 20301750 (cited by Clinical Genomics, Uppaluri K&H Personalized Medicine Clinic); PubMed 17603484 (cited by Clinical Genomics, Uppaluri K&H Personalized Medicine Clinic).